The following is an entry in ClinVar:

NM_000152.5(GAA):c.1646G>T (p.Gly549Val)

Gene: GAA (alpha glucosidase; plus strand). Cytogenetic location: 17q25.3.
Variant type: single nucleotide variant.
Coding change: c.1646G>T on transcript NM_000152.5 (MANE Select); coding-DNA position 1646, G replaced by T.
Protein change: p.Gly549Val; replaces glycine 549 with valine.
Molecular consequence: missense variant.
Genome position (GRCh38, 1-based): chr17:80,111,992, G>T. VCF-style: chr17-80111992-G-T. GRCh37 (hg19) VCF-style: chr17-78085791-G-T.
Other names: c.1646G>T, p.Gly549Val (NM_001406742.1, NM_001079803.3, NM_001079804.3 and 1 more transcripts); short protein forms G549V.
Identifiers: ClinVar variation 4876517 (VCV004876517.1).

ClinVar aggregate classification (germline): Uncertain significance (1 of 4 stars; one submission).

Conditions:
Glycogen storage disease, type II (IOPD). Also called: Pompe Disease; CARDIOMEGALIA GLYCOGENICA DIFFUSA; GLYCOGENOSIS, GENERALIZED, CARDIAC FORM; GSD II; POMPE DISEASE, INFANTILE-ONSET; GLYCOGEN STORAGE DISEASE II, INFANTILE-ONSET. Identifiers: Orphanet 365, MedGen C0017921, MONDO:0009290, OMIM 232300.

Submission:

Genomenon, Inc
Classification: Uncertain significance for Glycogen storage disease, type II. Last evaluated: 2026-07-01. Review status: criteria provided, single submitter. Criteria: Genomenon Sequence Variant Interpretation Standards - Updated. Collection method: curation. Allele origin: germline. Affected: yes.
Comment: GAA p.Gly549Val (c.1646G>T) is a missense variant that changes the amino acid at codon 549 from Glycine to Valine. This variant has been observed in at least one proband with a GAA-related disorder (PMID:40225932). It is absent or not present at a significant frequency in gnomAD. In silico models predict that this variant is possibly or probably damaging. In conclusion, we classify GAA p.Gly549Val (c.1646G>T) as a variant of uncertain significance.

Literature cited by the submitters: PubMed 40225932.